The following is an entry in ClinVar:

ClinVar aggregate classification (germline): Likely benign. Review status: criteria provided, multiple submitters, no conflicts (2 of 4 stars). 2 submissions from 2 submitters: Likely benign (2). Last evaluated 2025-12-02.

Submissions (2):

Labcorp Genetics (formerly Invitae), Labcorp
Classification: Likely benign. Last evaluated: 2025-12-02. Review status: criteria provided, single submitter. Criteria: Invitae Variant Classification Sherloc (09022015). Collection method: clinical testing. Allele origin: germline.

CeGaT Center for Human Genetics Tuebingen
Classification: Likely benign. Last evaluated: 2025-02-01. Review status: criteria provided, single submitter. Criteria: CeGaT Center For Human Genetics Tuebingen Variant Classification Criteria Version 2. Collection method: clinical testing. Allele origin: germline. Affected: yes. Observed: 2 variant alleles.
Comment: SON: PM4, BS2

NM_138927.4(SON):c.4132_4155del (p.1370SSTVTVLE[1])

Gene: SON (SON DNA and RNA binding protein; plus strand). Cytogenetic location: 21q22.11.
Variant type: Deletion.
Coding change: c.4132_4155del on transcript NM_138927.4 (MANE Select); coding-DNA positions 4132 to 4155, 24 bases deleted (TCTTCGACTGTAACTGTCCTGGAG).
Protein change: p.1370SSTVTVLE[1].
Molecular consequence: inframe deletion. On other transcripts: non-coding transcript variant (1), intron variant (1).
Genome position (GRCh38, 1-based): chr21:33,553,363-33,553,386, TCTTCGACTGTAACTGTCCTGGAG deleted; deleting any 24 consecutive bases within chr21:33,553,351-33,553,386 gives the same sequence; the c. name uses the placement nearest the transcript's 3' end. VCF-style (leftmost placement, unchanged base first): chr21-33553350-GACTGTCCTGGAGTCTTCGACTGTA-G. GRCh37 (hg19) VCF-style: chr21-34925656-GACTGTCCTGGAGTCTTCGACTGTA-G.
Other names: c.4132_4155del, p.1370SSTVTVLE[1] (NM_001291411.2, NM_032195.3); c.245-3793_245-3770del (NM_001291412.3).
Identifiers: ClinVar variation 1528479 (VCV001528479.31), dbSNP rs776438224, ClinGen allele CA10009456.
Genomic context (GRCh38, chr21:33,553,350, plus strand): 5'-GTCTTCAGCTATGGCTGTCCTGGAGTCTTCGGCTGTGACCGTCCTGGAGTCTTCGACTGT[GACTGTCCTGGAGTCTTCGACTGTA>G]ACTGTCCTGGAGCCTTCGGTTGTGACTGTCCCGGAGCCTCCTGTTGTGGCTGAGCCAGAC-3'